The following is an entry in ClinVar:

ClinVar aggregate classification (germline): Uncertain significance (1 of 4 stars; one submission).

Conditions:
Primary ciliary dyskinesia 27. Also called: CILIARY DYSKINESIA, PRIMARY, 27, WITHOUT SITUS INVERSUS. Identifiers: Orphanet 244, MedGen C3809701, MONDO:0014215, OMIM 615504.

Allele frequency attached by ClinVar (database versions not stated): ExAC 0.00001; gnomAD 0.00001; gnomAD exomes 0.00001.
gnomAD v4.1: 12 of 1,614,072 alleles (0.00074%); highest among the groups gnomAD compares: African/African-American, 0.0013%; no homozygotes.

Submission:

Labcorp Genetics (formerly Invitae), Labcorp
Classification: Uncertain significance for Primary ciliary dyskinesia 27. Last evaluated: 2019-10-28. Review status: criteria provided, single submitter. Criteria: Invitae Variant Classification Sherloc (09022015). Collection method: clinical testing. Allele origin: germline.
Comment: In summary, the available evidence is currently insufficient to determine the role of this variant in disease. Therefore, it has been classified as a Variant of Uncertain Significance. Algorithms developed to predict the effect of missense changes on protein structure and function (SIFT, PolyPhen-2, Align-GVGD) all suggest that this variant is likely to be tolerated, but these predictions have not been confirmed by published functional studies and their clinical significance is uncertain. This variant has not been reported in the literature in individuals with CCDC65-related conditions. This variant is present in population databases (rs745767342, ExAC 0.01%). This sequence change replaces alanine with aspartic acid at codon 423 of the CCDC65 protein (p.Ala423Asp). The alanine residue is weakly conserved and there is a moderate physicochemical difference between alanine and aspartic acid.

NM_033124.5(DRC2):c.1268C>A (p.Ala423Asp)

Gene: DRC2 (dynein regulatory complex subunit 2; plus strand). Cytogenetic location: 12q13.12.
Variant type: single nucleotide variant.
Coding change: c.1268C>A on transcript NM_033124.5 (MANE Select); coding-DNA position 1268, C replaced by A.
Protein change: p.Ala423Asp; replaces alanine 423 with aspartic acid.
Molecular consequence: missense variant.
Genome position (GRCh38, 1-based): chr12:48,921,256, C>A. VCF-style: chr12-48921256-C-A. GRCh37 (hg19) VCF-style: chr12-49315039-C-A.
Other names: c.839C>A, p.Ala280Asp (NM_001286957.2); short protein forms A423D, A280D.
Identifiers: ClinVar variation 971565 (VCV000971565.9), dbSNP rs745767342, ClinGen allele CA6543483.